The following is an entry in ClinVar:

NM_152263.4(TPM3):c.567-584T>C

Gene: TPM3 (tropomyosin 3; minus strand). Cytogenetic location: 1q21.3.
Variant type: single nucleotide variant.
Coding change: c.567-584T>C on transcript NM_152263.4 (MANE Select); 584 bases into the intron before coding-DNA position 567, T replaced by C.
Molecular consequence: intron variant. On other transcripts: missense variant (8), non-coding transcript variant (1).
Genome position (GRCh38, 1-based): chr1:154,172,072, A>G on the plus strand (T>C on the coding strand, the complement: TPM3 is on the minus strand). VCF-style: chr1-154172072-A-G. GRCh37 (hg19) VCF-style: chr1-154144548-A-G.
Other names: c.488T>C, p.Leu163Pro (NM_001043352.2, NM_001278189.2, NM_001278190.2 and 2 more transcripts); c.290T>C, p.Leu97Pro (NM_001278188.2); c.599T>C, p.Leu200Pro (NM_001364680.2, NM_001364682.1); c.567-584T>C (NM_001364679.2, NM_001364681.2); c.456-584T>C (NM_001043351.2, NM_001043353.2, NM_001349679.2); c.186-584T>C (NM_001278191.2); short protein forms L163P, L200P, L97P.
Identifiers: ClinVar variation 5001286 (VCV005001286.1).

ClinVar aggregate classification (germline): Uncertain significance (1 of 4 stars; one submission).

Conditions:
TPM3-related disorder. Also called: TPM3-related condition.

Submission:

PreventionGenetics, part of Exact Sciences
Classification: Uncertain significance for TPM3-related condition. Last evaluated: 2025-04-07. Review status: criteria provided, single submitter. Criteria: ACMG Guidelines, 2015. Collection method: clinical testing. Allele origin: germline.
Comment: The TPM3 c.488T>C variant is predicted to result in the amino acid substitution p.Leu163Pro. This deeply intronic variant is not predicted to impact splicing based on available computational prediction programs; however, the impact of this variant has not been functionally validated (SpliceAI, Jaganathan et al. 2019. PubMed ID: 30661751). In an alternate transcript, this variant is predicted to result in a missense variant (NM_001043352.1:c.488T>C, p.Leu163Pro). To our knowledge, this variant has not been reported in the literature or in a large population database (gnomAD), indicating this variant is rare. At this time, the clinical significance of this variant is uncertain due to the absence of conclusive functional and genetic evidence.